The following is an entry in ClinVar:

NM_000287.4(PEX6):c.586G>C (p.Gly196Arg)

Gene: PEX6 (peroxisomal biogenesis factor 6; minus strand). Cytogenetic location: 6p21.1.
Variant type: single nucleotide variant.
Coding change: c.586G>C on transcript NM_000287.4 (MANE Select); coding-DNA position 586, G replaced by C.
Protein change: p.Gly196Arg; replaces glycine 196 with arginine.
Molecular consequence: missense variant. On other transcripts: non-coding transcript variant (1).
Genome position (GRCh38, 1-based): chr6:42,978,565, C>G on the plus strand (G>C on the coding strand, the complement: PEX6 is on the minus strand). VCF-style: chr6-42978565-C-G. GRCh37 (hg19) VCF-style: chr6-42946303-C-G.
Other names: c.586G>C, p.Gly196Arg (NM_001316313.2); short protein forms G196R.
Identifiers: ClinVar variation 966628 (VCV000966628.10), dbSNP rs1770412754, ClinGen allele CA364163708.

ClinVar aggregate classification (germline): Uncertain significance (1 of 4 stars; one submission).

Conditions:
Peroxisome biogenesis disorder. Identifiers: Orphanet 79189, MedGen C1832200, MONDO:0019234. Disease mechanism: loss of function.

Submission:

Labcorp Genetics (formerly Invitae), Labcorp
Classification: Uncertain significance for Peroxisome biogenesis disorder. Last evaluated: 2019-10-26. Review status: criteria provided, single submitter. Criteria: Invitae Variant Classification Sherloc (09022015). Collection method: clinical testing. Allele origin: germline.
Comment: In summary, the available evidence is currently insufficient to determine the role of this variant in disease. Therefore, it has been classified as a Variant of Uncertain Significance. Algorithms developed to predict the effect of missense changes on protein structure and function are either unavailable or do not agree on the potential impact of this missense change (SIFT: "Tolerated"; PolyPhen-2: "Probably Damaging"; Align-GVGD: "Class C0"). This variant has not been reported in the literature in individuals with PEX6-related conditions. This variant is not present in population databases (ExAC no frequency). This sequence change replaces glycine with arginine at codon 196 of the PEX6 protein (p.Gly196Arg). The glycine residue is weakly conserved and there is a moderate physicochemical difference between glycine and arginine.